The following is an entry in ClinVar:

ClinVar aggregate classification (germline): Uncertain significance. Review status: criteria provided, multiple submitters, no conflicts (2 of 4 stars). 5 submissions from 5 submitters: Uncertain significance (5). Last evaluated 2025-09-01.

Conditions:
Pierson syndrome. Also called: MICROCORIA-CONGENITAL NEPHROTIC SYNDROME. Identifiers: Orphanet 2670, MedGen C1836876, MONDO:0012184, OMIM 609049.
LAMB2-related infantile-onset nephrotic syndrome. Also called: NEPHROTIC SYNDROME, TYPE 5, WITHOUT OCULAR ABNORMALITIES; NEPHROTIC SYNDROME, TYPE 5, WITH OCULAR ABNORMALITIES; Nephrotic Syndrome, type 5. Identifiers: Orphanet 306507, MedGen C3280113, MONDO:0013621, OMIM 614199.
Diffuse mesangial sclerosis (NPHS4). Identifiers: MedGen C0268747, HP:0001967.
Inborn genetic diseases. Identifiers: MedGen C0950123, MeSH D030342.

Allele frequency attached by ClinVar (database versions not stated): gnomAD 0.00004 and 0.00005; gnomAD exomes 0.00004; TOPMed 0.00005.

Submissions (5):

Ambry Genetics
Classification: Uncertain significance for Inborn genetic diseases. Last evaluated: 2025-09-01. Review status: criteria provided, single submitter. Criteria: Ambry Variant Classification Scheme 2023. Collection method: clinical testing. Allele origin: germline.

UNC Molecular Genetics  Laboratory, University of North Carolina at Chapel Hill
Classification: Uncertain significance for Diffuse mesangial sclerosis. Last evaluated: 2022-05-18. Review status: criteria provided, single submitter. Criteria: ACMG Guidelines, 2015. Collection method: clinical testing. Allele origin: germline. Affected: yes. Observed: 1 heterozygote.

Fulgent Genetics
Classification: Uncertain significance for Pierson syndrome; LAMB2-related infantile-onset nephrotic syndrome. Last evaluated: 2022-03-02. Review status: criteria provided, single submitter. Criteria: ACMG Guidelines, 2015. Collection method: clinical testing. Allele origin: unknown.

Labcorp Genetics (formerly Invitae), Labcorp
Classification: Uncertain significance for LAMB2-related infantile-onset nephrotic syndrome; Pierson syndrome. Last evaluated: 2022-02-18. Review status: criteria provided, single submitter. Criteria: Invitae Variant Classification Sherloc (09022015). Collection method: clinical testing. Allele origin: germline.
Comment: In summary, the available evidence is currently insufficient to determine the role of this variant in disease. Therefore, it has been classified as a Variant of Uncertain Significance. Algorithms developed to predict the effect of missense changes on protein structure and function (SIFT, PolyPhen-2, Align-GVGD) all suggest that this variant is likely to be tolerated. ClinVar contains an entry for this variant (Variation ID: 843079). This variant has not been reported in the literature in individuals affected with LAMB2-related conditions. This variant is present in population databases (rs376294474, gnomAD 0.02%). This sequence change replaces glycine, which is neutral and non-polar, with serine, which is neutral and polar, at codon 339 of the LAMB2 protein (p.Gly339Ser).

GeneDx
Classification: Uncertain significance. Last evaluated: 2019-10-04. Review status: criteria provided, single submitter. Criteria: GeneDx Variant Classification Process June 2021. Collection method: clinical testing. Allele origin: germline. Affected: yes.
Comment: In silico analysis, which includes protein predictors and evolutionary conservation, supports that this variant does not alter protein structure/function; Has not been previously published as pathogenic or benign to our knowledge

NM_002292.4(LAMB2):c.1015G>A (p.Gly339Ser)

Gene: LAMB2 (laminin subunit beta 2; minus strand). Cytogenetic location: 3p21.31.
Variant type: single nucleotide variant.
Coding change: c.1015G>A on transcript NM_002292.4 (MANE Select); coding-DNA position 1015, G replaced by A.
Protein change: p.Gly339Ser; replaces glycine 339 with serine.
Molecular consequence: missense variant.
Genome position (GRCh38, 1-based): chr3:49,130,761, C>T on the plus strand (G>A on the coding strand, the complement: LAMB2 is on the minus strand). VCF-style: chr3-49130761-C-T. GRCh37 (hg19) VCF-style: chr3-49168194-C-T.
Other names: short protein forms G339S.
Identifiers: ClinVar variation 843079 (VCV000843079.10), dbSNP rs376294474, ClinGen allele CA2394725.